The following is an entry in ClinVar:

ClinVar aggregate classification (germline): Uncertain significance (1 of 4 stars; one submission).

Conditions:
Charcot-Marie-Tooth disease type 4. Also called: Charcot-Marie-Tooth, Type 4; Charcot-Marie-Tooth disease, type IV. Identifiers: Orphanet 64749, MedGen C4082197, MONDO:0018995.

gnomAD v4.1: 10 of 1,566,842 alleles (0.00064%); highest among the groups gnomAD compares: Admixed American, 0.0019%; no homozygotes.

Submission:

Labcorp Genetics (formerly Invitae), Labcorp
Classification: Uncertain significance for Charcot-Marie-Tooth disease type 4. Last evaluated: 2021-08-28. Review status: criteria provided, single submitter. Criteria: Invitae Variant Classification Sherloc (09022015). Collection method: clinical testing. Allele origin: germline.
Comment: This sequence change replaces arginine with proline at codon 196 of the PRX protein (p.Arg196Pro). The arginine residue is moderately conserved and there is a moderate physicochemical difference between arginine and proline. The frequency data for this variant in the population databases is considered unreliable, as metrics indicate insufficient coverage at this position in the ExAC database. This variant has not been reported in the literature in individuals affected with PRX-related conditions. Algorithms developed to predict the effect of missense changes on protein structure and function are either unavailable or do not agree on the potential impact of this missense change (SIFT: "Deleterious"; PolyPhen-2: "Possibly Damaging"; Align-GVGD: "Class C0"). In summary, the available evidence is currently insufficient to determine the role of this variant in disease. Therefore, it has been classified as a Variant of Uncertain Significance.

NM_181882.3(PRX):c.587G>C (p.Arg196Pro)

Gene: PRX (periaxin; minus strand). Cytogenetic location: 19q13.2.
Variant type: single nucleotide variant.
Coding change: c.587G>C on transcript NM_181882.3 (MANE Select); coding-DNA position 587, G replaced by C.
Protein change: p.Arg196Pro; replaces arginine 196 with proline.
Molecular consequence: missense variant. On other transcripts: 3 prime UTR variant (1).
Genome position (GRCh38, 1-based): chr19:40,397,765, C>G on the plus strand (G>C on the coding strand, the complement: PRX is on the minus strand). VCF-style: chr19-40397765-C-G. GRCh37 (hg19) VCF-style: chr19-40903672-C-G.
Other names: c.*792G>C (NM_020956.2); short protein forms R196P.
Identifiers: ClinVar variation 648815 (VCV000648815.6), dbSNP rs757381967, ClinGen allele CA308421715.